The following is an entry in ClinVar:

ClinVar aggregate classification (germline): Pathogenic (1 of 4 stars; one submission).

Conditions:
Familial adenomatous polyposis 1 (FAP1). Also called: POLYPOSIS, ADENOMATOUS INTESTINAL; FAMILIAL ADENOMATOUS POLYPOSIS 1, ATTENUATED. Identifiers: MedGen C2713442, MONDO:0021056, OMIM 175100. Disease mechanism: loss of function.

Submission:

Myriad Genetics, Inc.
Classification: Pathogenic for Familial adenomatous polyposis 1. Last evaluated: 2023-05-16. Review status: criteria provided, single submitter. Criteria: Myriad Autosomal Dominant, Autosomal Recessive and X-Linked Classification Criteria (2023). Collection method: clinical testing. Allele origin: unknown.
Comment: This variant is considered pathogenic. This variant creates a frameshift predicted to result in premature protein truncation.

NM_000038.6(APC):c.7582del (p.Ile2528fs)

Gene: APC (APC regulator of Wnt signaling pathway; plus strand). Cytogenetic location: 5q22.2.
Variant type: Deletion.
Coding change: c.7582del on transcript NM_000038.6 (MANE Select); coding-DNA position 7582, one base deleted (A; older notation c.7582delA).
Protein change: p.Ile2528fs; shifts the reading frame from isoleucine 2528.
Molecular consequence: frameshift variant. On other transcripts: non-coding transcript variant (2).
Genome position (GRCh38, 1-based): chr5:112,843,176, A deleted. VCF-style (leftmost placement, unchanged base first): chr5-112843175-TA-T. GRCh37 (hg19) VCF-style: chr5-112178872-TA-T.
Other names: c.7582del, p.Ile2528fs (NM_001407450.1, NM_001127510.3, NM_001354895.2); c.7561del, p.Ile2521fs (NM_001407451.1); c.7405del, p.Ile2469fs (NM_001407453.1, NM_001354901.2); c.7333del, p.Ile2445fs (NM_001407454.1, NM_001407455.1, NM_001407456.1 and 1 more transcripts); c.7552del, p.Ile2518fs (NM_001407452.1); c.7528del, p.Ile2510fs (NM_001127511.3); c.7636del, p.Ile2546fs (NM_001354896.2, NM_001407447.1, NM_001407448.1 and 1 more transcripts); c.7612del, p.Ile2538fs (NM_001354897.2); and 11 more; short protein forms I2144fs, I2245fs, I2368fs, I2399fs, I2402fs, I2427fs, I2437fs, I2445fs.
Identifiers: ClinVar variation 2583355 (VCV002583355.1), dbSNP rs2533804326, ClinGen allele CA2582341628.